The following is an entry in ClinVar:

ClinVar aggregate classification (germline): Pathogenic (1 of 4 stars; one submission).

Conditions:
Hereditary pulmonary alveolar proteinosis. Also called: Pulmonary surfactant metabolism dysfunction. Identifiers: Orphanet 264675, MedGen C3711368, MONDO:0012580.

Submission:

Ambry Genetics
Classification: Pathogenic for Hereditary pulmonary alveolar proteinosis. Last evaluated: 2015-04-07. Review status: criteria provided, single submitter. Criteria: Ambry Variant Classification Scheme 2023. Collection method: clinical testing. Allele origin: germline.
Comment: The c.498dupG pathogenic mutation, located in coding exon 5 of the SFTPC gene, results from a duplication of G at nucleotide position 498, causing a translational frameshift with a predicted alternate stop codon. This mutation was previously identified in two infants (first cousins) in one caucasian family with desquamative interstitial pneumonia (Willander H et al 2012, Proc. Natl. Acad. Sci. U.S.A.;109(7):2325-9). In addition to the clinical data presented in the literature, since frameshifts are typically deleterious in nature, this alteration is interpreted as a disease-causing mutation (ACMG Recommendations for Standards for Interpretation and Reporting of Sequence Variations. Revision 2007. Genet Med. 2008;10:294).

Literature cited by the submitters: PubMed 22308375.

NM_001317778.2(SFTPC):c.480dup (p.Arg161fs)

Gene: SFTPC (surfactant protein C; plus strand). Cytogenetic location: 8p21.3.
Variant type: Duplication.
Coding change: c.480dup on transcript NM_001317778.2 (MANE Select); coding-DNA position 480, one base duplicated (G; older notation c.480dupG).
Protein change: p.Arg161fs; shifts the reading frame from arginine 161.
Molecular consequence: frameshift variant.
Genome position (GRCh38, 1-based): chr8:22,163,945, G duplicated; the last of 4 consecutive G bases (chr8:22,163,942-22,163,945); duplicating any one gives the same sequence. VCF-style (leftmost placement, unchanged base first): chr8-22163941-A-AG. GRCh37 (hg19) VCF-style: chr8-22021454-A-AG.
Other names: c.480dup, p.Arg161fs (NM_001172357.2, NM_001317780.2, NM_001385656.1 and 3 more transcripts); c.498dup, p.Arg167fs (NM_001172410.2, NM_001385653.1, NM_001385654.1 and 2 more transcripts); c.339dup, p.Arg114fs (NM_001317779.2, NM_001385660.1); short protein forms R161fs, R114fs, R167fs.
Identifiers: ClinVar variation 1744578 (VCV001744578.2), dbSNP rs2538948539, ClinGen allele CA2580078067.